The following is an entry in ClinVar:

NM_021830.5(TWNK):c.737A>G (p.Asn246Ser)

Gene: TWNK (twinkle mtDNA helicase; plus strand). Cytogenetic location: 10q24.31.
Variant type: single nucleotide variant.
Coding change: c.737A>G on transcript NM_021830.5 (MANE Select); coding-DNA position 737, A replaced by G.
Protein change: p.Asn246Ser; replaces asparagine 246 with serine.
Molecular consequence: missense variant. On other transcripts: non-coding transcript variant (4), intron variant (3).
Genome position (GRCh38, 1-based): chr10:100,988,947, A>G. VCF-style: chr10-100988947-A-G. GRCh37 (hg19) VCF-style: chr10-102748704-A-G.
Other names: p.N246S:AAT>AGT; c.737A>G, p.Asn246Ser (NM_001163812.2); c.-119-697A>G (NM_001163814.2, NM_001163813.2); c.-57-759A>G (NM_001368275.1); short protein forms N246S.
Identifiers: ClinVar variation 214174 (VCV000214174.45), dbSNP rs754081544, ClinGen allele CA322899.

ClinVar aggregate classification (germline): Conflicting classifications of pathogenicity. Review status: criteria provided, conflicting classifications (1 of 4 stars). 6 submissions from 6 submitters: Likely pathogenic (1); Uncertain significance (5). Last evaluated 2025-08-28.

Conditions:
Perrault syndrome 5 (PRLTS5). Identifiers: Orphanet 2855, MedGen C4015307, MONDO:0014504, OMIM 616138.

Allele frequency attached by ClinVar (database versions not stated): gnomAD 0.00001; TOPMed 0.00001; ExAC 0.00002; gnomAD exomes 0.00002.
gnomAD v4.1: 32 of 1,613,974 alleles (0.002%); highest among the groups gnomAD compares: Non-Finnish European, 0.0025%; no homozygotes.

Submissions (6):

GeneDx
Classification: Uncertain significance. Last evaluated: 2025-08-28. Review status: criteria provided, single submitter. Criteria: GeneDx Variant Classification Process June 2021. Collection method: clinical testing. Allele origin: germline. Affected: yes.
Comment: Has been reported from a cohort of patients with mtDNA maintenance problems; however, no patient specific details were provided (PMID: 33486010); Not observed at significant frequency in large population cohorts (gnomAD); In silico analysis suggests that this missense variant does not alter protein structure/function; This variant is associated with the following publications: (PMID: 33486010)

Labcorp Genetics (formerly Invitae), Labcorp
Classification: Uncertain significance. Last evaluated: 2025-07-10. Review status: criteria provided, single submitter. Criteria: Invitae Variant Classification Sherloc (09022015). Collection method: clinical testing. Allele origin: germline.
Comment: This sequence change replaces asparagine, which is neutral and polar, with serine, which is neutral and polar, at codon 246 of the TWNK protein (p.Asn246Ser). This variant is present in population databases (rs754081544, gnomAD 0.004%). This missense change has been observed in individual(s) with Perrault syndrome (PMID: 33486010). ClinVar contains an entry for this variant (Variation ID: 214174). Invitae Evidence Modeling of protein sequence and biophysical properties (such as structural, functional, and spatial information, amino acid conservation, physicochemical variation, residue mobility, and thermodynamic stability) has been performed for this missense variant. However, the output from this modeling did not meet the statistical confidence thresholds required to predict the impact of this variant on TWNK protein function. In summary, the available evidence is currently insufficient to determine the role of this variant in disease. Therefore, it has been classified as a Variant of Uncertain Significance.

CeGaT Center for Human Genetics Tuebingen
Classification: Uncertain significance. Last evaluated: 2023-12-01. Review status: criteria provided, single submitter. Criteria: CeGaT Center For Human Genetics Tuebingen Variant Classification Criteria Version 2. Collection method: clinical testing. Allele origin: germline. Affected: yes. Observed: 3 variant alleles.
Comment: TWNK: PM2, PP3

Laboratory of Inherited Metabolic Diseases, Research centre for medical genetics
Classification: Likely pathogenic for Perrault syndrome 5. Last evaluated: 2019-07-17. Review status: criteria provided, single submitter. Criteria: ACMG Guidelines, 2015. Collection method: clinical testing. Allele origin: maternal. Inheritance: Autosomal recessive inheritance. Affected: yes.
Comment: found in compound heterozygous with c.1523A>G (p.Y508C)

Eurofins Ntd Llc (ga)
Classification: Uncertain significance. Last evaluated: 2018-07-24. Review status: criteria provided, single submitter. Criteria: EGL ClinVar v180209 classification definitions. Collection method: clinical testing. Allele origin: germline. Observed: 1 variant allele, 1 heterozygote.

Center for Precision Genome Editing and Genetic Technologies for Biomedicine, Pirogov Russian National Research Medical University
Classification: Uncertain significance for Perrault syndrome 5. Review status: criteria provided, single submitter. Criteria: ACMG Guidelines, 2015. Collection method: clinical testing. Allele origin: maternal. Inheritance: Autosomal recessive inheritance. Affected: yes.
Comment: This missense variant results in an amino acid substitution. It has been detected in control samples with an allele frequency of 0.00001983 and has not been observed in patients with Perrault syndrome 5, fulfilling the PM2 criterion. The variant is located in the Primase-like domain, where most missense variants are pathogenic or likely pathogenic; therefore, the PM1 criterion applies. The variant is described in the literature as pathogenic, but an independent assessment has not been conducted (PP5). Based on the applied ACMG/AMP criteria (PM1, PM2, PP5), this variant is classified as a Variant of Uncertain Significance (VUS) for Perrault syndrome 5.

Literature cited by the submitters: PubMed 33486010 (cited by Labcorp Genetics (formerly Invitae), Labcorp); DOI 10.1016/j.mito.2021.01.004 (cited by Center for Precision Genome Editing and Genetic Technologies for Biomedicine, Pirogov Russian National Research Medical University).